The following is an entry in ClinVar:

ClinVar aggregate classification (germline): Uncertain significance (1 of 4 stars; one submission).

Conditions:
Wilms tumor 1 (WT1). Also called: Wilms tumor, somatic. Identifiers: Orphanet 654, MedGen CN033288, MONDO:0008679, OMIM 194070.

Submission:

Labcorp Genetics (formerly Invitae), Labcorp
Classification: Uncertain significance for Wilms tumor 1. Last evaluated: 2022-10-23. Review status: criteria provided, single submitter. Criteria: Invitae Variant Classification Sherloc (09022015). Collection method: clinical testing. Allele origin: germline.
Comment: This variant results in a copy number gain of the genomic region encompassing exon(s) 5-8 of the GPC3 gene. This region includes the termination codon of the gene. This copy number gain extends beyond the assayed region for this gene and therefore may encompass additional genes. As the precise location of this event is unknown, it may be in tandem or it may be located elsewhere in the genome. This variant has not been reported in the literature in individuals affected with GPC3-related conditions. Experimental studies and prediction algorithms are not available or were not evaluated, and the functional significance of this variant is currently unknown. In summary, the available evidence is currently insufficient to determine the role of this variant in disease. Therefore, it has been classified as a Variant of Uncertain Significance.

NC_000023.10:g.(?_132670152)_(132826532_?)dup

Gene: GPC3 (glypican 3; minus strand). Cytogenetic location: Xq26.2.
Variant type: Duplication.
Identifiers: ClinVar variation 2425128 (VCV002425128.5).